The following is an entry in ClinVar:

NM_001365536.1(SCN9A):c.3928G>A (p.Val1310Ile)

Genes: SCN1A-AS1 (SCN1A and SCN9A antisense RNA 1; plus strand), SCN9A (sodium voltage-gated channel alpha subunit 9; minus strand). Cytogenetic location: 2q24.3.
Variant type: single nucleotide variant.
Coding change: c.3928G>A on transcript NM_001365536.1 (MANE Select); coding-DNA position 3928, G replaced by A.
Protein change: p.Val1310Ile; replaces valine 1310 with isoleucine.
Molecular consequence: missense variant.
Genome position (GRCh38, 1-based): chr2:166,228,969, C>T on the plus strand (G>A on the coding strand, the complement: SCN9A is on the minus strand). VCF-style: chr2-166228969-C-T. GRCh37 (hg19) VCF-style: chr2-167085479-C-T.
Other names: c.3895G>A, p.Val1299Ile (NM_002977.4); short protein forms V1299I, V1310I.
Identifiers: ClinVar variation 1500840 (VCV001500840.6), dbSNP rs121908913, ClinGen allele CA349064811.

ClinVar aggregate classification (germline): Likely pathogenic (1 of 4 stars; one submission).

Conditions:
Generalized epilepsy with febrile seizures plus, type 7 (GEFSP7). Also called: GEFS+, TYPE 7. Identifiers: Orphanet 36387, MedGen C2751778, MONDO:0013470, OMIM 613863.
Neuropathy, hereditary sensory and autonomic, type 2A (HSAN2A). Also called: HSAN IIA; WNK1-Related HSAN2 (HSAN2A); MORVAN DISEASE; NEUROPATHY, CONGENITAL SENSORY; NEUROPATHY, HEREDITARY SENSORY RADICULAR, AUTOSOMAL RECESSIVE; NEUROPATHY, HEREDITARY SENSORY, TYPE IIA. Identifiers: Orphanet 970, MedGen C2752089, MONDO:0024309, OMIM 201300.

Allele frequency attached by ClinVar (database versions not stated): gnomAD 0.00001.
gnomAD v4.1: 3 of 1,609,846 alleles (0.00019%); highest among the groups gnomAD compares: Non-Finnish European, 0.00025%; no homozygotes.

Submission:

Labcorp Genetics (formerly Invitae), Labcorp
Classification: Likely pathogenic for Neuropathy, hereditary sensory and autonomic, type 2A; Generalized epilepsy with febrile seizures plus, type 7. Last evaluated: 2022-03-08. Review status: criteria provided, single submitter. Criteria: Invitae Variant Classification Sherloc (09022015). Collection method: clinical testing. Allele origin: germline.
Comment: This variant disrupts the p.Val1299 amino acid residue in SCN9A. Other variant(s) that disrupt this residue have been determined to be pathogenic (PMID: 17145499, 18599537, 21115638; Invitae). This suggests that this residue is clinically significant, and that variants that disrupt this residue are likely to be disease-causing. In summary, the currently available evidence indicates that the variant is pathogenic, but additional data are needed to prove that conclusively. Therefore, this variant has been classified as Likely Pathogenic. Advanced modeling of protein sequence and biophysical properties (such as structural, functional, and spatial information, amino acid conservation, physicochemical variation, residue mobility, and thermodynamic stability) performed at Invitae indicates that this missense variant is expected to disrupt SCN9A protein function. This variant has not been reported in the literature in individuals affected with SCN9A-related conditions. This variant is not present in population databases (gnomAD no frequency). This sequence change replaces valine, which is neutral and non-polar, with isoleucine, which is neutral and non-polar, at codon 1299 of the SCN9A protein (p.Val1299Ile).

Literature cited by the submitters: PubMed 17145499; PubMed 18599537; PubMed 21115638.